The following is an entry in ClinVar:

ClinVar aggregate classification (germline): Uncertain significance. Review status: criteria provided, multiple submitters, no conflicts (2 of 4 stars). 2 submissions from 2 submitters: Uncertain significance (2). Last evaluated 2025-06-07.

gnomAD v4.1: 9 of 1,605,278 alleles (0.00056%); highest among the groups gnomAD compares: Non-Finnish European, 0.00076%; no homozygotes.

Submissions (2):

Ambry Genetics
Classification: Uncertain significance. Last evaluated: 2025-06-07. Review status: criteria provided, single submitter. Criteria: Ambry Variant Classification Scheme 2023. Collection method: clinical testing. Allele origin: germline.

Women's Health and Genetics/Laboratory Corporation of America, LabCorp
Classification: Uncertain significance. Last evaluated: 2024-07-04. Review status: criteria provided, single submitter. Criteria: LabCorp Variant Classification Summary - May 2015. Collection method: clinical testing. Allele origin: germline.
Comment: Variant summary: PRIMPOL c.582G>T (p.Gln194His) results in a non-conservative amino acid change in the encoded protein sequence. Three of five in-silico tools predict a benign effect of the variant on protein function. The variant was absent in 240812 control chromosomes. The available data on variant occurrences in the general population are insufficient to allow any conclusion about variant significance. To our knowledge, no occurrence of c.582G>T in individuals affected with Myopia 22, Autosomal Dominant and no experimental evidence demonstrating its impact on protein function have been reported. No submitters have cited clinical-significance assessments for this variant to ClinVar. Based on the evidence outlined above, the variant was classified as uncertain significance.

NM_152683.4(PRIMPOL):c.582G>T (p.Gln194His)

Gene: PRIMPOL (primase and DNA directed polymerase; plus strand). Cytogenetic location: 4q35.1.
Variant type: single nucleotide variant.
Coding change: c.582G>T on transcript NM_152683.4 (MANE Select); coding-DNA position 582, G replaced by T.
Protein change: p.Gln194His; replaces glutamine 194 with histidine.
Molecular consequence: missense variant. On other transcripts: 5 prime UTR variant (4), non-coding transcript variant (3).
Genome position (GRCh38, 1-based): chr4:184,672,198, G>T. VCF-style: chr4-184672198-G-T. GRCh37 (hg19) VCF-style: chr4-185593352-G-T.
Other names: c.195G>T, p.Gln65His (NM_001300767.2); c.582G>T, p.Gln194His (NM_001300768.2, NM_001345891.2, NM_001345892.2 and 4 more transcripts); c.-115G>T (NM_001345894.2, NM_001345897.2, NM_001345898.2 and 1 more transcripts); c.57G>T, p.Gln19His (NM_001345900.2); c.582G>T (NM_152683.2); short protein forms Q194H, Q19H, Q65H.
Identifiers: ClinVar variation 3339139 (VCV003339139.2).